The following is an entry in ClinVar:

ClinVar aggregate classification (germline): Benign (1 of 4 stars; one submission).

Conditions:
Familial cancer of breast. Also called: hereditary breast carcinoma; BREAST CANCER, FAMILIAL; Hereditary breast cancer. Identifiers: Orphanet 227535, MedGen C0346153, MONDO:0016419, OMIM 114480. Disease mechanism: loss of function.

Submission:

Myriad Genetics, Inc.
Classification: Benign for Familial cancer of breast. Last evaluated: 2024-06-20. Review status: criteria provided, single submitter. Criteria: Myriad Autosomal Dominant, Autosomal Recessive and X-Linked Classification Criteria (2023). Collection method: clinical testing. Allele origin: unknown.
Comment: This variant is considered benign. This variant is a silent/synonymous amino acid change and it is not expected to impact splicing.

NM_000051.4(ATM):c.8598T>G (p.Leu2866=)

Genes: ATM (ATM serine/threonine kinase; plus strand), C11orf65 (chromosome 11 open reading frame 65; minus strand). Cytogenetic location: 11q22.3.
Variant type: single nucleotide variant.
Coding change: c.8598T>G on transcript NM_000051.4 (MANE Select); coding-DNA position 8598, T replaced by G.
Protein change: p.Leu2866=; no amino-acid change (leucine 2866 retained).
Molecular consequence: synonymous variant. On other transcripts: intron variant (2).
Genome position (GRCh38, 1-based): chr11:108,347,292, T>G. VCF-style: chr11-108347292-T-G. GRCh37 (hg19) VCF-style: chr11-108218019-T-G.
Other names: c.8598T>G, p.Leu2866= (NM_001351834.2); c.641-38221A>C (NM_001330368.2); c.695-12000A>C (NM_001351110.2).
Identifiers: ClinVar variation 3253933 (VCV003253933.1), dbSNP rs2547460609.
Genomic context (GRCh38, chr11:108,347,292, plus strand): 5'-AGAGATGGAATCAGTGATTTCAGATTGTTTGTTTCTTTTTTCTCCAGTTGGTTACATACT[T>G]GGACTTGGTGATAGACATGTACAGAATATCTTGATAAATGAGCAGTCAGCAGAACTTGTA-3'
Protein context (NP_000042.3, residues 2856-2876): VATSSIVGYI[Leu2866=]GLGDRHVQNI